The following is an entry in ClinVar:

NM_006206.6(PDGFRA):c.3229G>A (p.Gly1077Ser)

Gene: PDGFRA (platelet derived growth factor receptor alpha; plus strand). Cytogenetic location: 4q12.
Variant type: single nucleotide variant.
Coding change: c.3229G>A on transcript NM_006206.6 (MANE Select); coding-DNA position 3229, G replaced by A.
Protein change: p.Gly1077Ser; replaces glycine 1077 with serine.
Molecular consequence: missense variant.
Genome position (GRCh38, 1-based): chr4:54,295,231, G>A. VCF-style: chr4-54295231-G-A. GRCh37 (hg19) VCF-style: chr4-55161398-G-A.
Other names: c.3304G>A, p.Gly1102Ser (NM_001347828.2); c.3229G>A, p.Gly1077Ser (NM_001347829.2); c.3268G>A, p.Gly1090Ser (NM_001347830.2); short protein forms G1077S, G1102S, G1090S.
Identifiers: ClinVar variation 459091 (VCV000459091.11), dbSNP rs752633017, ClinGen allele CA356896677.
Genomic context (GRCh38, chr4:54,295,231, plus strand): 5'-TCCACCTTCATCAAGAGAGAGGACGAGACCATTGAAGACATCGACATGATGGATGACATC[G>A]GCATAGACTCTTCAGACCTGGTGGAAGACAGCTTCCTGTAACTGGCGGATTCGAGGGGTT-3'
Protein context (NP_006197.1, residues 1067-1087): IEDIDMMDDI[Gly1077Ser]IDSSDLVEDS

ClinVar aggregate classification (germline): Uncertain significance. Review status: criteria provided, multiple submitters, no conflicts (2 of 4 stars). 2 submissions from 2 submitters: Uncertain significance (2). Last evaluated 2025-03-26.

Conditions:
Hereditary cancer-predisposing syndrome. Also called: Tumor predisposition; Hereditary neoplastic syndrome; Neoplastic Syndromes, Hereditary; Hereditary Cancer Syndrome. Identifiers: Orphanet 140162, MedGen C0027672, MeSH D009386, MONDO:0015356.
Gastrointestinal stromal tumor. Also called: Gastrointestinal stroma tumor; Gastrointestinal stromal tumor, somatic. Identifiers: Orphanet 44890, MedGen C0238198, MeSH D046152, MONDO:0011719, OMIM 606764, HP:0100723.

gnomAD v4.1: 17 of 1,613,986 alleles (0.0011%); highest among the groups gnomAD compares: Non-Finnish European, 0.0014%; no homozygotes.

Submissions (2):

Ambry Genetics
Classification: Uncertain significance for Hereditary cancer-predisposing syndrome. Last evaluated: 2025-03-26. Review status: criteria provided, single submitter. Criteria: Ambry Variant Classification Scheme 2023. Collection method: clinical testing. Allele origin: germline.
Comment: The p.G1077S variant (also known as c.3229G>A), located in coding exon 22 of the PDGFRA gene, results from a G to A substitution at nucleotide position 3229. The glycine at codon 1077 is replaced by serine, an amino acid with similar properties. This variant was reported in individual(s) with features consistent with PDGFRA-related gastrointestinal stromal tumor syndrome (Ambry internal data). This amino acid position is not well conserved in available vertebrate species. In addition, this alteration is predicted to be tolerated by in silico analysis. Based on the available evidence, the clinical significance of this variant remains unclear.

Labcorp Genetics (formerly Invitae), Labcorp
Classification: Uncertain significance for Gastrointestinal stromal tumor. Last evaluated: 2024-12-22. Review status: criteria provided, single submitter. Criteria: Invitae Variant Classification Sherloc (09022015). Collection method: clinical testing. Allele origin: germline.
Comment: This sequence change replaces glycine, which is neutral and non-polar, with serine, which is neutral and polar, at codon 1077 of the PDGFRA protein (p.Gly1077Ser). This variant is not present in population databases (gnomAD no frequency). This variant has not been reported in the literature in individuals affected with PDGFRA-related conditions. ClinVar contains an entry for this variant (Variation ID: 459091). An algorithm developed to predict the effect of missense changes on protein structure and function (PolyPhen-2) suggests that this variant is likely to be disruptive. In summary, the available evidence is currently insufficient to determine the role of this variant in disease. Therefore, it has been classified as a Variant of Uncertain Significance.